The following is an entry in ClinVar:

ClinVar aggregate classification (germline): Pathogenic (1 of 4 stars; one submission).

Conditions:
Niemann-Pick disease, type C1. Also called: NEUROVISCERAL STORAGE DISEASE WITH VERTICAL SUPRANUCLEAR OPHTHALMOPLEGIA; NIEMANN-PICK DISEASE WITH CHOLESTEROL ESTERIFICATION BLOCK; NIEMANN-PICK DISEASE WITHOUT SPHINGOMYELINASE DEFICIENCY; NIEMANN-PICK DISEASE, CHRONIC NEURONOPATHIC FORM; NIEMANN-PICK DISEASE, VARIANT TYPE C1. Identifiers: Orphanet 646, MedGen C3179455, MONDO:0009757, OMIM 257220.

Submission:

Myriad Genetics, Inc.
Classification: Pathogenic for Niemann-Pick disease, type C1. Last evaluated: 2023-08-14. Review status: criteria provided, single submitter. Criteria: Myriad Autosomal Dominant, Autosomal Recessive and X-Linked Classification Criteria (2023). Collection method: clinical testing. Allele origin: unknown.
Comment: NM_000271.4(NPC1):c.2033_2034insC(G679Wfs*10) is expected to be pathogenic in the context of Niemann-Pick disease type C1. This variant is predicted to lead to an abnormal or absent protein product due to the creation of a premature termination codon in NPC1, a gene where loss-of-function variants are known to be pathogenic. Please note: this variant was assessed in the context of healthy population screening.

NM_000271.5(NPC1):c.2033_2034insC (p.Gly679fs)

Gene: NPC1 (NPC intracellular cholesterol transporter 1; minus strand). Cytogenetic location: 18q11.2.
Variant type: Insertion.
Coding change: c.2033_2034insC on transcript NM_000271.5 (MANE Select); coding-DNA positions 2033 to 2034, C inserted.
Protein change: p.Gly679fs; shifts the reading frame from glycine 679.
Molecular consequence: frameshift variant.
Genome position: GRCh38 VCF-style: chr18-23544440-A-AG. GRCh37 (hg19) VCF-style: chr18-21124404-A-AG.
Other names: short protein forms G679fs.
Identifiers: ClinVar variation 5011346 (VCV005011346.1).